The following is an entry in ClinVar:

ClinVar aggregate classification (germline): Uncertain significance (1 of 4 stars; one submission).

Conditions:
Neuroblastoma, susceptibility to, 3. Also called: ALK-Related Neuroblastic Tumor Susceptibility. Identifiers: Orphanet 635, MedGen C2751681, MONDO:0013083, OMIM 613014.

Submission:

Labcorp Genetics (formerly Invitae), Labcorp
Classification: Uncertain significance for Neuroblastoma, susceptibility to, 3. Last evaluated: 2019-02-13. Review status: criteria provided, single submitter. Criteria: Invitae Variant Classification Sherloc (09022015). Collection method: clinical testing. Allele origin: germline.
Comment: This variant has not been reported in the literature in individuals with ALK-related conditions. This variant is not present in population databases (ExAC no frequency). This sequence change replaces glutamine with arginine at codon 673 of the ALK protein (p.Gln673Arg). The glutamine residue is weakly conserved and there is a small physicochemical difference between glutamine and arginine. Algorithms developed to predict the effect of missense changes on protein structure and function (SIFT, PolyPhen-2, Align-GVGD) all suggest that this variant is likely to be tolerated, but these predictions have not been confirmed by published functional studies and their clinical significance is uncertain. In summary, the available evidence is currently insufficient to determine the role of this variant in disease. Therefore, it has been classified as a Variant of Uncertain Significance.

NM_004304.5(ALK):c.2018A>G (p.Gln673Arg)

Gene: ALK (ALK receptor tyrosine kinase; minus strand). Cytogenetic location: 2p23.2.
Variant type: single nucleotide variant.
Coding change: c.2018A>G on transcript NM_004304.5 (MANE Select); coding-DNA position 2018, A replaced by G.
Protein change: p.Gln673Arg; replaces glutamine 673 with arginine.
Molecular consequence: missense variant.
Genome position (GRCh38, 1-based): chr2:29,275,122, T>C on the plus strand (A>G on the coding strand, the complement: ALK is on the minus strand). VCF-style: chr2-29275122-T-C. GRCh37 (hg19) VCF-style: chr2-29497988-T-C.
Other names: short protein forms Q673R.
Identifiers: ClinVar variation 839167 (VCV000839167.9), dbSNP rs762808842, ClinGen allele CA346479612.